The following is an entry in ClinVar:

ClinVar aggregate classification (germline): Pathogenic (1 of 4 stars; one submission).

Conditions:
Glycine encephalopathy. Also called: Non-ketotic hyperglycinemia; Nonketotic hyperglycinemia. Identifiers: Orphanet 407, MedGen C0751748, MONDO:0011612, HP:0008288.

Submission:

Labcorp Genetics (formerly Invitae), Labcorp
Classification: Pathogenic for Glycine encephalopathy. Last evaluated: 2022-04-16. Review status: criteria provided, single submitter. Criteria: Invitae Variant Classification Sherloc (09022015). Collection method: clinical testing. Allele origin: germline.
Comment: This sequence change affects a donor splice site in intron 7 of the GLDC gene. It is expected to disrupt RNA splicing. Variants that disrupt the donor or acceptor splice site typically lead to a loss of protein function (PMID: 16199547), and loss-of-function variants in GLDC are known to be pathogenic (PMID: 16601880). This variant is not present in population databases (gnomAD no frequency). Disruption of this splice site has been observed in individual(s) with nonketotic hyperglycinemia (PMID: 27362913). Algorithms developed to predict the effect of sequence changes on RNA splicing suggest that this variant may disrupt the consensus splice site. For these reasons, this variant has been classified as Pathogenic.

Literature cited by the submitters: PubMed 16199547; PubMed 16601880; PubMed 27362913.

NM_000170.3(GLDC):c.1058+2T>C

Gene: GLDC (glycine decarboxylase; minus strand). Cytogenetic location: 9p24.1.
Variant type: single nucleotide variant.
Coding change: c.1058+2T>C on transcript NM_000170.3 (MANE Select); the canonical splice donor site of the intron after coding-DNA position 1058, T replaced by C.
Molecular consequence: splice donor variant.
Genome position (GRCh38, 1-based): chr9:6,604,586, A>G on the plus strand (T>C on the coding strand, the complement: GLDC is on the minus strand). VCF-style: chr9-6604586-A-G. GRCh37 (hg19) VCF-style: chr9-6604586-A-G.
Identifiers: ClinVar variation 2126993 (VCV002126993.4), dbSNP rs1587959976, ClinGen allele CA372895230.